The following is an entry in ClinVar:

ClinVar aggregate classification (germline): Uncertain significance (1 of 4 stars; one submission).

Conditions:
Congenital contractural arachnodactyly (CCA). Also called: Beals-Hecht syndrome; BEALS SYNDROME; Arthrogryposis, distal, type 9. Identifiers: Orphanet 115, MedGen C0220668, MONDO:0007363, OMIM 121050.

Submission:

Labcorp Genetics (formerly Invitae), Labcorp
Classification: Uncertain significance for Congenital contractural arachnodactyly. Last evaluated: 2019-12-19. Review status: criteria provided, single submitter. Criteria: Invitae Variant Classification Sherloc (09022015). Collection method: clinical testing. Allele origin: germline.
Comment: This variant, c.5804_5806delTTG, results in the deletion of 1 amino acid of the FBN2 protein (p.Val1935del), but otherwise preserves the integrity of the reading frame. This variant is not present in population databases (ExAC no frequency). This variant has not been reported in the literature in individuals with FBN2-related disease. Experimental studies and prediction algorithms are not available for this variant, and the functional significance of the deleted amino acids is currently unknown. In summary, the available evidence is currently insufficient to determine the role of this variant in disease. Therefore, it has been classified as a Variant of Uncertain Significance.

NM_001999.4(FBN2):c.5804_5806del (p.Val1935del)

Gene: FBN2 (fibrillin 2; minus strand). Cytogenetic location: 5q23.3.
Variant type: Deletion.
Coding change: c.5804_5806del on transcript NM_001999.4 (MANE Select); coding-DNA positions 5804 to 5806, 3 bases deleted (TTG; older notation c.5804_5806delTTG).
Protein change: p.Val1935del; deletes valine 1935.
Molecular consequence: inframe deletion.
Genome position (GRCh38, 1-based): chr5:128,303,084-128,303,086, CAA deleted on the plus strand (TTG on the coding strand, the reverse complement: FBN2 is on the minus strand); deleting any 3 consecutive bases within chr5:128,303,084-128,303,088 gives the same sequence; the c. name uses the placement nearest the transcript's 3' end. VCF-style (leftmost placement, unchanged base first): chr5-128303083-TCAA-T. GRCh37 (hg19) VCF-style: chr5-127638775-TCAA-T.
Other names: c.5804_5806del (NM_001999.3); short protein forms V1935del.
Identifiers: ClinVar variation 458774 (VCV000458774.2), dbSNP rs1554119538, ClinGen allele CA658657484.
Genomic context (GRCh38, chr5:128,303,083, plus strand): 5'-TTATAGGATCCAACGGTGTTTTTACAAGTTCCATTTCCACATGGATGCCGCTCGCACTCA[TCAA>T]CATCTATAAAGAAATATAGGCTCAAAAAATTCAATTTTTAACTAGAAAAAAATGGGCTAT-3'